The following is an entry in ClinVar:

ClinVar aggregate classification (germline): Conflicting classifications of pathogenicity. Review status: criteria provided, conflicting classifications (1 of 4 stars). 2 submissions from 2 submitters: Likely pathogenic (1); Uncertain significance (1). Last evaluated 2024-01-16.

Conditions:
Inborn genetic diseases. Identifiers: MedGen C0950123, MeSH D030342.
Pyruvate kinase deficiency of red cells (CNSHA2). Also called: PK DEFICIENCY; PYRUVATE KINASE DEFICIENCY OF ERYTHROCYTE; Pyruvate kinase deficiency, Amish type. Identifiers: Orphanet 766, MedGen C0340968, MONDO:0009950, OMIM 266200.

Allele frequency attached by ClinVar (database versions not stated): gnomAD exomes below 0.00001; gnomAD 0.00001.

Submissions (2):

Ambry Genetics
Classification: Uncertain significance for Inborn genetic diseases. Last evaluated: 2024-01-16. Review status: criteria provided, single submitter. Criteria: Ambry Variant Classification Scheme 2023. Collection method: clinical testing. Allele origin: germline.

Intergen Genetics and Rare Diseases Diagnosis Center
Classification: Likely pathogenic for Pyruvate kinase deficiency of red cells. Last evaluated: 2024-01-01. Review status: criteria provided, single submitter. Criteria: ACMG Guidelines, 2015. Collection method: clinical testing. Allele origin: germline. Inheritance: Autosomal recessive inheritance. Observed: 1 heterozygote.
Comment: PP3-S, PM2

NM_000298.6(PKLR):c.754G>A (p.Val252Met)

Gene: PKLR (pyruvate kinase L/R; minus strand). Cytogenetic location: 1q22.
Variant type: single nucleotide variant.
Coding change: c.754G>A on transcript NM_000298.6 (MANE Select); coding-DNA position 754, G replaced by A.
Protein change: p.Val252Met; replaces valine 252 with methionine.
Molecular consequence: missense variant.
Genome position (GRCh38, 1-based): chr1:155,294,693, C>T on the plus strand (G>A on the coding strand, the complement: PKLR is on the minus strand). VCF-style: chr1-155294693-C-T. GRCh37 (hg19) VCF-style: chr1-155264484-C-T.
Other names: c.754G>A (NM_000298.5); c.661G>A, p.Val221Met (NM_181871.4); short protein forms V221M, V252M.
Identifiers: ClinVar variation 2682175 (VCV002682175.2), dbSNP rs1647454047, ClinGen allele CA342754583.